The following is an entry in ClinVar:

ClinVar aggregate classification (germline): Uncertain significance (1 of 4 stars; one submission).

Conditions:
Hereditary cancer-predisposing syndrome. Also called: Neoplastic Syndromes, Hereditary; Hereditary neoplastic syndrome; Tumor predisposition; Hereditary Cancer Syndrome. Identifiers: Orphanet 140162, MedGen C0027672, MeSH D009386, MONDO:0015356.

Submission:

Ambry Genetics
Classification: Uncertain significance for Hereditary cancer-predisposing syndrome. Last evaluated: 2022-11-17. Review status: criteria provided, single submitter. Criteria: Ambry Variant Classification Scheme 2023. Collection method: clinical testing. Allele origin: germline.
Comment: The p.G240E variant (also known as c.719G>A), located in coding exon 8 of the NF2 gene, results from a G to A substitution at nucleotide position 719. The glycine at codon 240 is replaced by glutamic acid, an amino acid with similar properties. This amino acid position is conserved. In addition, this alteration is predicted to be deleterious by in silico analysis. Since supporting evidence is limited at this time, the clinical significance of this alteration remains unclear.

NM_000268.4(NF2):c.719G>A (p.Gly240Glu)

Gene: NF2 (NF2, moesin-ezrin-radixin like (MERLIN) tumor suppressor; plus strand). Cytogenetic location: 22q12.2.
Variant type: single nucleotide variant.
Coding change: c.719G>A on transcript NM_000268.4 (MANE Select); coding-DNA position 719, G replaced by A.
Protein change: p.Gly240Glu; replaces glycine 240 with glutamic acid.
Molecular consequence: missense variant. On other transcripts: non-coding transcript variant (1), intron variant (4).
Genome position (GRCh38, 1-based): chr22:29,661,248, G>A. VCF-style: chr22-29661248-G-A. GRCh37 (hg19) VCF-style: chr22-30057237-G-A.
Other names: c.605G>A, p.Gly202Glu (NM_001407053.1, NM_001407056.1); c.596G>A, p.Gly199Glu (NM_001407054.1, NM_001407058.1, NM_181829.3); c.593G>A, p.Gly198Glu (NM_001407055.1, NM_181828.3); c.185G>A, p.Gly62Glu (NM_001407065.1); c.719G>A, p.Gly240Glu (NM_001407066.1, NM_181832.3, NM_001407060.1 and 2 more transcripts); c.488G>A, p.Gly163Glu (NM_001407067.1); c.470G>A, p.Gly157Glu (NM_181831.3, NM_001407063.1, NM_001407064.1 and 1 more transcripts); c.675+2984G>A (NM_001407059.1, NM_001407057.1); and 2 more; short protein forms G157E, G199E, G202E, G198E, G62E, G163E, G240E.
Identifiers: ClinVar variation 2453819 (VCV002453819.2), dbSNP rs2147008798, ClinGen allele CA411143819.